The following is an entry in ClinVar:

NM_198391.3(FLRT3):c.1592C>T (p.Ala531Val)

Genes: FLRT3 (fibronectin leucine rich transmembrane protein 3; minus strand), MACROD2 (mono-ADP ribosylhydrolase 2; plus strand). Cytogenetic location: 20p12.1.
Variant type: single nucleotide variant.
Coding change: c.1592C>T on transcript NM_198391.3 (MANE Select); coding-DNA position 1592, C replaced by T.
Protein change: p.Ala531Val; replaces alanine 531 with valine.
Molecular consequence: missense variant. On other transcripts: intron variant (3).
Genome position (GRCh38, 1-based): chr20:14,325,915, G>A on the plus strand (C>T on the coding strand, the complement: FLRT3 is on the minus strand). VCF-style: chr20-14325915-G-A. GRCh37 (hg19) VCF-style: chr20-14306561-G-A.
Other names: c.1592C>T, p.Ala531Val (NM_013281.4); c.272-167564G>A (NM_001351661.2, NM_001351663.2, NM_080676.6); short protein forms A531V.
Identifiers: ClinVar variation 4690844 (VCV004690844.1).

ClinVar aggregate classification (germline): Uncertain significance (1 of 4 stars; one submission).

gnomAD v4.1: 37 of 1,613,830 alleles (0.0023%); highest among the groups gnomAD compares: South Asian, 0.037%; 1 homozygote.

Submission:

Labcorp Genetics (formerly Invitae), Labcorp
Classification: Uncertain significance. Last evaluated: 2025-11-23. Review status: criteria provided, single submitter. Criteria: Invitae Variant Classification Sherloc (09022015). Collection method: clinical testing. Allele origin: germline.
Comment: This sequence change replaces alanine, which is neutral and non-polar, with valine, which is neutral and non-polar, at codon 531 of the FLRT3 protein (p.Ala531Val). This variant is present in population databases (rs755907964, gnomAD 0.05%). This variant has not been reported in the literature in individuals affected with FLRT3-related conditions. An algorithm developed to predict the effect of missense changes on protein structure and function (PolyPhen-2) suggests that this variant is likely to be tolerated. In summary, the available evidence is currently insufficient to determine the role of this variant in disease. Therefore, it has been classified as a Variant of Uncertain Significance.